The following is an entry in ClinVar:

ClinVar aggregate classification (germline): Uncertain significance. Review status: criteria provided, single submitter (1 of 4 stars). 2 submissions from 1 submitter: Uncertain significance (2). Last evaluated 2020-02-10.

Conditions:
Hypertrophic cardiomyopathy. Also called: HYPERTROPHIC MYOCARDIOPATHY. Identifiers: Orphanet 217569, MedGen C0007194, MeSH D002312, MONDO:0005045, HP:0001639.
Nemaline myopathy 5 (NEM5A). Also called: Nemaline myopathy 5, Amish type; NEMALINE MYOPATHY, AMISH TYPE; NEMALINE MYOPATHY 5A, AUTOSOMAL RECESSIVE, SEVERE INFANTILE. Identifiers: Orphanet 98902, MedGen C1854380, MONDO:0011539, OMIM 605355.

Submissions (2):

Labcorp Genetics (formerly Invitae), Labcorp
Classification: Uncertain significance for Nemaline myopathy 5. Last evaluated: 2020-02-10. Review status: criteria provided, single submitter. Criteria: Invitae Variant Classification Sherloc (09022015). Collection method: clinical testing. Allele origin: germline.
Comment: This variant results in a copy number gain of the genomic region encompassing the full coding sequence of the TNNT1 gene. The boundaries of this event are unknown as they extend beyond the assayed region for this gene and therefore may encompass additional genes. As the precise location of this event is unknown, it may be in tandem or it may be located elsewhere in the genome. This variant has not been reported in the literature in individuals with TNNT1-related disease. In summary, the available evidence is currently insufficient to determine the role of this variant in disease. Therefore, it has been classified as a Variant of Uncertain Significance.

Labcorp Genetics (formerly Invitae), Labcorp
Classification: Uncertain significance for Hypertrophic cardiomyopathy. Last evaluated: 2018-09-17. Review status: criteria provided, single submitter. Criteria: Invitae Variant Classification Sherloc (09022015). Collection method: clinical testing. Allele origin: germline.
Comment: A gross duplication of the genomic region encompassing the full coding sequence of the TNNI3 gene has been identified. The boundaries of this event are unknown as the duplication extends beyond the assayed region for this gene and therefore may encompass additional genes. As the precise location of this duplication is unknown, it may be in tandem or it may be located elsewhere in the genome. This variant has not been reported in the literature in individuals with a TNNI3-related disease. In summary, the exact genomic location of this variant is unknown and the effect of this whole TNNI3 gene duplication is unknown. Therefore, it has been classified as a Variant of Uncertain Significance.

NC_000019.9:g.(?_55644273)_(55768277_?)dup

Genes: MIR6803 (microRNA 6803; minus strand), MIR6804 (microRNA 6804; minus strand), PPP6R1 (protein phosphatase 6 regulatory subunit 1; minus strand), PTPRH (protein tyrosine phosphatase receptor type H; minus strand), SYT5 (synaptotagmin 5; minus strand) and 15 more. Cytogenetic location: 19q13.42.
Variant type: Duplication.
Identifiers: ClinVar variation 648531 (VCV000648531.2).